The following is an entry in ClinVar:

ClinVar aggregate classification (germline): Likely benign. Review status: criteria provided, single submitter (1 of 4 stars). 2 submissions from 2 submitters: Likely benign (1). 1 of the submissions does not count toward it. Last evaluated 2025-05-30.

Conditions:
LEMD3-related disorder. Also called: LEMD3-related condition.

Allele frequency attached by ClinVar (database versions not stated): gnomAD exomes 0.00001 and 0.00003; gnomAD 0.00002; ExAC 0.00003; TOPMed 0.00003.
gnomAD v4.1: 28 of 1,613,980 alleles (0.0017%); highest among the groups gnomAD compares: East Asian, 0.038%; no homozygotes.

Submissions (2):

Labcorp Genetics (formerly Invitae), Labcorp
Classification: Likely benign. Last evaluated: 2025-05-30. Review status: criteria provided, single submitter. Criteria: Invitae Variant Classification Sherloc (09022015). Collection method: clinical testing. Allele origin: germline.

PreventionGenetics, part of Exact Sciences
Classification: Likely benign for LEMD3-related condition. Last evaluated: 2019-02-23. Review status: no assertion criteria provided. Collection method: clinical testing. Allele origin: germline. Not counted in ClinVar's aggregate classification.
Comment: This variant is classified as likely benign based on ACMG/AMP sequence variant interpretation guidelines (Richards et al. 2015 PMID: 25741868, with internal and published modifications).

NM_014319.5(LEMD3):c.1804T>C (p.Leu602=)

Gene: LEMD3 (LEM domain containing 3; plus strand). Cytogenetic location: 12q14.3.
Variant type: single nucleotide variant.
Coding change: c.1804T>C on transcript NM_014319.5 (MANE Select); coding-DNA position 1804, T replaced by C.
Protein change: p.Leu602=; no amino-acid change (leucine 602 retained).
Molecular consequence: synonymous variant.
Genome position (GRCh38, 1-based): chr12:65,238,697, T>C. VCF-style: chr12-65238697-T-C. GRCh37 (hg19) VCF-style: chr12-65632477-T-C.
Other names: c.1801T>C, p.Leu601= (NM_001167614.2); c.1804T>C (NM_014319.4).
Identifiers: ClinVar variation 1592071 (VCV001592071.10), dbSNP rs746792069, ClinGen allele CA6671045.